The following is an entry in ClinVar:

ClinVar aggregate classification (germline): Conflicting classifications of pathogenicity. Review status: criteria provided, conflicting classifications (1 of 4 stars). 3 submissions from 3 submitters: Uncertain significance (2); Likely benign (1). Last evaluated 2026-01-06.

Conditions:
Autoimmune lymphoproliferative syndrome, type III caused by mutation in PRKCD. Identifiers: Orphanet 3261, Orphanet 664711, MedGen C3809928, MONDO:8000024, OMIM 615559.

Allele frequency attached by ClinVar (database versions not stated): 1000 Genomes Project 30x 0.00031; 1000 Genomes Project 0.00040; gnomAD 0.00052 and 0.00055; TOPMed 0.00064; ESP Exome Variant Server 0.00108.
gnomAD v4.1: 155 of 1,612,454 alleles (0.0096%); highest among the groups gnomAD compares: African/African-American, 0.17%; 1 homozygote.

Submissions (3):

Labcorp Genetics (formerly Invitae), Labcorp
Classification: Likely benign for Autoimmune lymphoproliferative syndrome, type III caused by mutation in PRKCD. Last evaluated: 2026-01-06. Review status: criteria provided, single submitter. Criteria: Invitae Variant Classification Sherloc (09022015). Collection method: clinical testing. Allele origin: germline.

GeneDx
Classification: Uncertain significance. Last evaluated: 2023-12-12. Review status: criteria provided, single submitter. Criteria: GeneDx Variant Classification Process June 2021. Collection method: clinical testing. Allele origin: germline. Affected: yes.
Comment: In silico analysis supports that this missense variant has a deleterious effect on protein structure/function; Has not been previously published as pathogenic or benign to our knowledge

Blueprint Genetics
Classification: Uncertain significance. Last evaluated: 2023-12-04. Review status: criteria provided, single submitter. Criteria: ACMG Guidelines, 2015. Collection method: clinical testing. Allele origin: germline.

NM_006254.4(PRKCD):c.1705C>T (p.Arg569Cys)

Gene: PRKCD (protein kinase C delta; plus strand). Cytogenetic location: 3p21.1.
Variant type: single nucleotide variant.
Coding change: c.1705C>T on transcript NM_006254.4 (MANE Select); coding-DNA position 1705, C replaced by T.
Protein change: p.Arg569Cys; replaces arginine 569 with cysteine.
Molecular consequence: missense variant.
Genome position (GRCh38, 1-based): chr3:53,189,208, C>T. VCF-style: chr3-53189208-C-T. GRCh37 (hg19) VCF-style: chr3-53223224-C-T.
Other names: c.1705C>T, p.Arg569Cys (LRG_1327t1, NM_001316327.2, NM_001354679.2 and 2 more transcripts); c.1762C>T, p.Arg588Cys (NM_001354676.2); c.1753C>T, p.Arg585Cys (NM_001354678.2); short protein forms R585C, R588C, R569C.
Identifiers: ClinVar variation 657119 (VCV000657119.12), dbSNP rs141992569, ClinGen allele CA2452255.
Genomic context (GRCh38, chr3:53,189,208, plus strand): 5'-CATGGTGATGATGAGGATGAACTCTTCGAGTCCATCCGTGTGGACACGCCACATTATCCC[C>T]GCTGGATCACCAAGGAGTCCAAGGACATCCTGGAGAAGGTGGAGGCCCTGGGCTGGGCTG-3'
Protein context (NP_006245.2, residues 559-579): SIRVDTPHYP[Arg569Cys]WITKESKDIL